The following is an entry in ClinVar:

ClinVar aggregate classification (germline): Likely benign. Review status: criteria provided, multiple submitters, no conflicts (2 of 4 stars). 3 submissions from 3 submitters: Likely benign (2). 1 of the submissions does not count toward it. Last evaluated 2026-01-21.

Conditions:
CDH2-related disorder. Also called: CDH2-related condition.

Allele frequency attached by ClinVar (database versions not stated): ExAC 0.00002; 1000 Genomes Project 30x 0.00016; 1000 Genomes Project 0.00020.
gnomAD v4.1: 77 of 1,610,028 alleles (0.0048%); highest among the groups gnomAD compares: Admixed American, 0.0084%; no homozygotes.

Submissions (3):

Labcorp Genetics (formerly Invitae), Labcorp
Classification: Likely benign. Last evaluated: 2026-01-21. Review status: criteria provided, single submitter. Criteria: Invitae Variant Classification Sherloc (09022015). Collection method: clinical testing. Allele origin: germline.

Blueprint Genetics
Classification: Likely benign. Last evaluated: 2024-06-27. Review status: criteria provided, single submitter. Criteria: ACMG Guidelines, 2015. Collection method: clinical testing. Allele origin: germline.

PreventionGenetics, part of Exact Sciences
Classification: Likely benign for CDH2-related condition. Last evaluated: 2024-09-09. Review status: no assertion criteria provided. Collection method: clinical testing. Allele origin: germline. Not counted in ClinVar's aggregate classification.
Comment: This variant is classified as likely benign based on ACMG/AMP sequence variant interpretation guidelines (Richards et al. 2015 PMID: 25741868, with internal and published modifications).

NM_001792.5(CDH2):c.1159-4G>A

Gene: CDH2 (cadherin 2; minus strand). Cytogenetic location: 18q12.1.
Variant type: single nucleotide variant.
Coding change: c.1159-4G>A on transcript NM_001792.5 (MANE Select); 4 bases into the intron before coding-DNA position 1159, G replaced by A.
Molecular consequence: intron variant.
Genome position (GRCh38, 1-based): chr18:27,992,844, C>T on the plus strand (G>A on the coding strand, the complement: CDH2 is on the minus strand). VCF-style: chr18-27992844-C-T. GRCh37 (hg19) VCF-style: chr18-25572808-C-T.
Other names: c.1066-4G>A (NM_001308176.2); c.1159-4G>A (NM_001792.4).
Identifiers: ClinVar variation 2057823 (VCV002057823.6), dbSNP rs181813606, ClinGen allele CA8923488.